The following is an entry in ClinVar:

ClinVar aggregate classification (germline): Pathogenic. Review status: criteria provided, multiple submitters, no conflicts (2 of 4 stars). 4 submissions from 4 submitters: Pathogenic (4). Last evaluated 2024-10-24.

Conditions:
PKD2-related disorder. Also called: PKD2-related condition.
Polycystic kidney disease 2 (PKD2). Also called: POLYCYSTIC KIDNEY DISEASE, ADULT, TYPE II; Polycystic Kidney Disease 2, Autosomal Dominant; POLYCYSTIC KIDNEY DISEASE 2 WITH OR WITHOUT POLYCYSTIC LIVER DISEASE. Identifiers: MedGen C2751306, MONDO:0013131, OMIM 613095.

Submissions (4):

Victorian Clinical Genetics Services, Murdoch Childrens Research Institute
Classification: Pathogenic for Polycystic kidney disease 2. Last evaluated: 2024-10-24. Review status: criteria provided, single submitter. Criteria: ACMG Guidelines, 2015. Collection method: clinical testing. Allele origin: germline. Affected: yes.
Comment: This variant is classified as Pathogenic. Evidence in support of pathogenic classification: Variant is predicted to cause nonsense-mediated decay (NMD) and loss of protein (premature termination codon is located at least 54 nucleotides upstream of the final exon-exon junction); Variant is absent from gnomAD (v2, v3 and v4); This variant has moderate previous evidence of pathogenicity in unrelated individuals. This variant has been classified once as likely pathogenic in ClinVar by a clinical laboratory. It has also been reported to be de novo in an individual with polycystic kidney disease (PMID: 33532864); Other NMD-predicted variants comparable to the one identified in this case have very strong previous evidence for pathogenicity (DECIPHER). Additional information: This variant is heterozygous; This gene is associated with autosomal dominant disease; Loss of function is a known mechanism of disease in this gene and is associated with polycystic kidney disease 2 (MIM#613095); Inheritance information for this variant is not currently available in this individual.

GeneDx
Classification: Pathogenic. Last evaluated: 2024-09-10. Review status: criteria provided, single submitter. Criteria: GeneDx Variant Classification Process June 2021. Collection method: clinical testing. Allele origin: germline. Affected: yes.
Comment: Nonsense variant predicted to result in protein truncation or nonsense mediated decay in a gene for which loss of function is a known mechanism of disease; Not observed at significant frequency in large population cohorts (gnomAD); This variant is associated with the following publications: (PMID: 29801666, 33532864)

Molecular Biology Laboratory, Fundació Puigvert
Classification: Pathogenic for Polycystic kidney disease 2. Last evaluated: 2020-02-01. Review status: criteria provided, single submitter. Criteria: ACMG Guidelines, 2015. Collection method: research. Allele origin: de novo. Affected: yes. Study: KidneyPanel_2020.

Blueprint Genetics
Classification: Pathogenic for PKD2-related disorders. Last evaluated: 2018-05-25. Review status: criteria provided, single submitter. Criteria: ACMG Guidelines, 2015. Collection method: clinical testing. Allele origin: germline. Affected: yes. Observed: 1 variant allele.

Literature cited by the submitters: PubMed 33532864 (cited by Victorian Clinical Genetics Services, Murdoch Childrens Research Institute and Molecular Biology Laboratory, Fundació Puigvert).

NM_000297.4(PKD2):c.717C>A (p.Tyr239Ter)

Gene: PKD2 (polycystin 2, transient receptor potential cation channel; plus strand). Cytogenetic location: 4q22.1.
Variant type: single nucleotide variant.
Coding change: c.717C>A on transcript NM_000297.4 (MANE Select); coding-DNA position 717, C replaced by A.
Protein change: p.Tyr239Ter; replaces tyrosine 239 with a stop codon.
Molecular consequence: nonsense. On other transcripts: non-coding transcript variant (1).
Genome position (GRCh38, 1-based): chr4:88,036,227, C>A. VCF-style: chr4-88036227-C-A. GRCh37 (hg19) VCF-style: chr4-88957379-C-A.
Other names: short protein forms Y239*.
Identifiers: ClinVar variation 636657 (VCV000636657.7), dbSNP rs780351760, ClinGen allele CA357630915.